The following is an entry in ClinVar:

NM_000088.4(COL1A1):c.1893_1894del (p.Arg631_Gly632insTer)

Gene: COL1A1 (collagen type I alpha 1 chain; minus strand). Cytogenetic location: 17q21.33.
Variant type: Microsatellite.
Coding change: c.1893_1894del on transcript NM_000088.4 (MANE Select); coding-DNA positions 1893 to 1894, 2 bases deleted (AG; older notation c.1893_1894delAG).
Protein change: p.Arg631_Gly632insTer.
Molecular consequence: frameshift variant.
Genome position (GRCh38, 1-based): chr17:50,192,675-50,192,676, CT deleted on the plus strand (AG on the coding strand, the reverse complement: COL1A1 is on the minus strand); deleting any 2 consecutive bases within chr17:50,192,675-50,192,681 gives the same sequence; the c. name uses the placement nearest the transcript's 3' end. VCF-style (leftmost placement, unchanged base first): chr17-50192674-CCT-C. GRCh37 (hg19) VCF-style: chr17-48270035-CCT-C.
Identifiers: ClinVar variation 1431064 (VCV001431064.7), dbSNP rs2144563856, ClinGen allele CA2580612666.

ClinVar aggregate classification (germline): Pathogenic. Review status: criteria provided, multiple submitters, no conflicts (2 of 4 stars). 2 submissions from 2 submitters: Pathogenic (2). Last evaluated 2026-11-25.

Conditions:
Osteogenesis imperfecta type I (OI1). Also called: OI, TYPE I; OSTEOGENESIS IMPERFECTA TARDA; OSTEOGENESIS IMPERFECTA WITH BLUE SCLERAE; Osteogenesis imperfecta type 1; Lobstein's Disease; Lobstein disease. Identifiers: Orphanet 216796, Orphanet 666, MedGen C0023931, MONDO:0008146, OMIM 166200. Disease mechanism: loss of function.
COL1A1- and COL1A2-Related Osteogenesis Imperfecta. Identifiers: MedGen CN381134.

Submissions (2):

Clinical Genetics Laboratory, Skane University Hospital Lund
Classification: Pathogenic for COL1A1- and COL1A2-Related Osteogenesis Imperfecta. Last evaluated: 2026-11-25. Review status: criteria provided, single submitter. Criteria: ACMG Guidelines, 2015. Collection method: clinical testing. Allele origin: germline. Affected: yes. Observed: 1 variant allele.

Labcorp Genetics (formerly Invitae), Labcorp
Classification: Pathogenic for Osteogenesis imperfecta type I. Last evaluated: 2021-08-29. Review status: criteria provided, single submitter. Criteria: Invitae Variant Classification Sherloc (09022015). Collection method: clinical testing. Allele origin: germline.
Comment: This premature translational stop signal has been observed in individual(s) with autosomal dominant osteogenesis imperfecta (PMID: 21667357). This sequence change creates a premature translational stop signal (p.Gly632*) in the COL1A1 gene. It is expected to result in an absent or disrupted protein product. Loss-of-function variants in COL1A1 are known to be pathogenic (PMID: 7942841, 9295084, 9443882). This variant is not present in population databases (ExAC no frequency). This variant is also known as c.1893_1894delAG. For these reasons, this variant has been classified as Pathogenic.

Literature cited by the submitters: PubMed 21667357 (cited by Labcorp Genetics (formerly Invitae), Labcorp); PubMed 7942841 (cited by Labcorp Genetics (formerly Invitae), Labcorp); PubMed 9295084 (cited by Labcorp Genetics (formerly Invitae), Labcorp); PubMed 9443882 (cited by Labcorp Genetics (formerly Invitae), Labcorp).